The following is an entry in ClinVar:

NM_006904.7(PRKDC):c.9860G>A (p.Arg3287Gln)

Gene: PRKDC (protein kinase, DNA-activated, catalytic subunit; minus strand). Cytogenetic location: 8q11.21.
Variant type: single nucleotide variant.
Coding change: c.9860G>A on transcript NM_006904.7 (MANE Select); coding-DNA position 9860, G replaced by A.
Protein change: p.Arg3287Gln; replaces arginine 3287 with glutamine.
Molecular consequence: missense variant.
Genome position (GRCh38, 1-based): chr8:47,803,368, C>T on the plus strand (G>A on the coding strand, the complement: PRKDC is on the minus strand). VCF-style: chr8-47803368-C-T. GRCh37 (hg19) VCF-style: chr8-48715929-C-T.
Other names: c.9860G>A, p.Arg3287Gln (NM_001081640.2); short protein forms R3287Q.
Identifiers: ClinVar variation 3425210 (VCV003425210.2).

ClinVar aggregate classification (germline): Uncertain significance. Review status: criteria provided, multiple submitters, no conflicts (2 of 4 stars). 2 submissions from 2 submitters: Uncertain significance (2). Last evaluated 2024-11-18.

Conditions:
Severe combined immunodeficiency due to DNA-PKcs deficiency. Also called: IMMUNODEFICIENCY 26 WITH NEUROLOGIC ABNORMALITIES; Immunodeficiency 26 with or without neurologic abnormalities. Identifiers: Orphanet 317425, MedGen C4014833, MONDO:0014423, OMIM 615966.

gnomAD v4.1: 12 of 1,613,876 alleles (0.00074%); highest among the groups gnomAD compares: South Asian, 0.0044%; no homozygotes.

Submissions (2):

Labcorp Genetics (formerly Invitae), Labcorp
Classification: Uncertain significance for Severe combined immunodeficiency due to DNA-PKcs deficiency. Last evaluated: 2024-11-18. Review status: criteria provided, single submitter. Criteria: Invitae Variant Classification Sherloc (09022015). Collection method: clinical testing. Allele origin: germline.
Comment: This sequence change replaces arginine, which is basic and polar, with glutamine, which is neutral and polar, at codon 3287 of the PRKDC protein (p.Arg3287Gln). This variant is present in population databases (rs765440019, gnomAD 0.003%). This variant has not been reported in the literature in individuals affected with PRKDC-related conditions. Invitae Evidence Modeling of protein sequence and biophysical properties (such as structural, functional, and spatial information, amino acid conservation, physicochemical variation, residue mobility, and thermodynamic stability) indicates that this missense variant is not expected to disrupt PRKDC protein function with a negative predictive value of 80%. In summary, the available evidence is currently insufficient to determine the role of this variant in disease. Therefore, it has been classified as a Variant of Uncertain Significance.

Ambry Genetics
Classification: Uncertain significance. Last evaluated: 2024-06-28. Review status: criteria provided, single submitter. Criteria: Ambry Variant Classification Scheme 2023. Collection method: clinical testing. Allele origin: germline.
Comment: The p.R3287Q variant (also known as c.9860G>A), located in coding exon 70 of the PRKDC gene, results from a G to A substitution at nucleotide position 9860. The arginine at codon 3287 is replaced by glutamine, an amino acid with highly similar properties. This amino acid position is conserved. Based on the available evidence, the clinical significance of this variant remains unclear.